The following is an entry in ClinVar:

NM_001399.5(EDA):c.157C>T (p.Leu53Phe)

Gene: EDA (ectodysplasin A; plus strand). Cytogenetic location: Xq13.1.
Variant type: single nucleotide variant.
Coding change: c.157C>T on transcript NM_001399.5 (MANE Select); coding-DNA position 157, C replaced by T.
Protein change: p.Leu53Phe; replaces leucine 53 with phenylalanine.
Molecular consequence: missense variant.
Genome position (GRCh38, 1-based): chrX:69,616,465, C>T. VCF-style: chrX-69616465-C-T. GRCh37 (hg19) VCF-style: chrX-68836309-C-T.
Other names: c.157C>T, p.Leu53Phe (NM_001005609.2, NM_001005610.4, NM_001005612.3 and 1 more transcripts); short protein forms L53F.
Identifiers: ClinVar variation 1398395 (VCV001398395.6), dbSNP rs974684362, ClinGen allele CA330922133.

ClinVar aggregate classification (germline): Uncertain significance. Review status: criteria provided, multiple submitters, no conflicts (2 of 4 stars). 2 submissions from 2 submitters: Uncertain significance (2). Last evaluated 2022-05-31.

Conditions:
Tooth agenesis, selective, X-linked, 1 (STHAGX1). Also called: HYPODONTIA/OLIGODONTIA, X-LINKED, 1. Identifiers: Orphanet 99798, MedGen C1970757, MONDO:0010741, OMIM 313500. Disease mechanism: loss of function.
Hypohidrotic X-linked ectodermal dysplasia (XHED). Also called: Ectodermal Dysplasia 1, Anhidrotic; ECTODERMAL DYSPLASIA 1, HYPOHIDROTIC/HAIR/TOOTH TYPE, X-LINKED; ECTODERMAL DYSPLASIA, HYPOHIDROTIC, 1; CST SYNDROME; ECTODERMAL DYSPLASIA 1; Anhidrotic ectodermal dysplasia X-linked. Identifiers: Orphanet 181, Orphanet 238468, MedGen C0162359, MONDO:0010585, OMIM 305100.

Allele frequency attached by ClinVar (database versions not stated): gnomAD 0.00001; TOPMed 0.00001; gnomAD exomes 0.00002 and 0.00004.
gnomAD v4.1: 38 of 1,210,772 alleles (0.0031%); highest among the groups gnomAD compares: Non-Finnish European, 0.0041%; no homozygotes.

Submissions (2):

Fulgent Genetics
Classification: Uncertain significance for Hypohidrotic X-linked ectodermal dysplasia; Tooth agenesis, selective, X-linked, 1. Last evaluated: 2022-05-31. Review status: criteria provided, single submitter. Criteria: ACMG Guidelines, 2015. Collection method: clinical testing. Allele origin: unknown.

Labcorp Genetics (formerly Invitae), Labcorp
Classification: Uncertain significance for Hypohidrotic X-linked ectodermal dysplasia. Last evaluated: 2021-09-17. Review status: criteria provided, single submitter. Criteria: Invitae Variant Classification Sherloc (09022015). Collection method: clinical testing. Allele origin: germline.
Comment: This sequence change replaces leucine with phenylalanine at codon 53 of the EDA protein (p.Leu53Phe). The leucine residue is moderately conserved and there is a small physicochemical difference between leucine and phenylalanine. This variant is not present in population databases (ExAC no frequency). This variant has not been reported in the literature in individuals affected with EDA-related conditions. Advanced modeling of protein sequence and biophysical properties (such as structural, functional, and spatial information, amino acid conservation, physicochemical variation, residue mobility, and thermodynamic stability) performed at Invitae indicates that this missense variant is expected to disrupt EDA protein function. In summary, the available evidence is currently insufficient to determine the role of this variant in disease. Therefore, it has been classified as a Variant of Uncertain Significance.